The following is an entry in ClinVar:

NM_015021.3(ZNF292):c.2130C>T (p.Asp710=)

Gene: ZNF292 (zinc finger protein 292; plus strand). Cytogenetic location: 6q14.3.
Variant type: single nucleotide variant.
Coding change: c.2130C>T on transcript NM_015021.3 (MANE Select); coding-DNA position 2130, C replaced by T.
Protein change: p.Asp710=; no amino-acid change (aspartic acid 710 retained).
Molecular consequence: synonymous variant.
Genome position (GRCh38, 1-based): chr6:87,255,759, C>T. VCF-style: chr6-87255759-C-T. GRCh37 (hg19) VCF-style: chr6-87965477-C-T.
Other names: c.1710C>T, p.Asp570= (NM_001351444.2).
Identifiers: ClinVar variation 4821981 (VCV004821981.4).

ClinVar aggregate classification (germline): Likely benign (1 of 4 stars; one submission).

gnomAD v4.1: 49 of 1,613,620 alleles (0.003%); highest among the groups gnomAD compares: African/African-American, 0.023%; no homozygotes.

Submission:

CeGaT Center for Human Genetics Tuebingen
Classification: Likely benign. Last evaluated: 2026-03-01. Review status: criteria provided, single submitter. Criteria: CeGaT Center For Human Genetics Tuebingen Variant Classification Criteria Version 2. Collection method: clinical testing. Allele origin: germline. Affected: yes. Observed: 1 variant allele.
Comment: ZNF292: BP4, BP7